The following is an entry in ClinVar:

NM_001298.3(CNGA3):c.1442G>T (p.Arg481Leu)

Gene: CNGA3 (cyclic nucleotide gated channel subunit alpha 3; plus strand). Cytogenetic location: 2q11.2.
Variant type: single nucleotide variant.
Coding change: c.1442G>T on transcript NM_001298.3 (MANE Select); coding-DNA position 1442, G replaced by T.
Protein change: p.Arg481Leu; replaces arginine 481 with leucine.
Molecular consequence: missense variant.
Genome position (GRCh38, 1-based): chr2:98,396,612, G>T. VCF-style: chr2-98396612-G-T. GRCh37 (hg19) VCF-style: chr2-99013075-G-T.
Other names: c.1388G>T, p.Arg463Leu (NM_001079878.2); short protein forms R481L, R463L.
Identifiers: ClinVar variation 1490290 (VCV001490290.8), dbSNP rs201877346, ClinGen allele CA1794011.
Genomic context (GRCh38, chr2:98,396,612, plus strand): 5'-CAGACAAGCTGAAGGCTGAGATCGCCATCAACGTGCACCTGGACACGCTGAAGAAGGTTC[G>T]CATCTTCCAGGACTGTGAGGCAGGGCTGCTGGTGGAGCTGGTGCTGAAGCTGCGACCCAC-3'
Protein context (NP_001289.1, residues 471-491): NVHLDTLKKV[Arg481Leu]IFQDCEAGLL

ClinVar aggregate classification (germline): Uncertain significance (1 of 4 stars; one submission).

gnomAD v4.1: 5 of 1,613,872 alleles (0.00031%); highest among the groups gnomAD compares: African/African-American, 0.0067%; no homozygotes.

Submission:

Labcorp Genetics (formerly Invitae), Labcorp
Classification: Uncertain significance. Last evaluated: 2022-03-09. Review status: criteria provided, single submitter. Criteria: Invitae Variant Classification Sherloc (09022015). Collection method: clinical testing. Allele origin: germline.
Comment: This variant is present in population databases (rs201877346, gnomAD 0.02%). In summary, the available evidence is currently insufficient to determine the role of this variant in disease. Therefore, it has been classified as a Variant of Uncertain Significance. Advanced modeling of protein sequence and biophysical properties (such as structural, functional, and spatial information, amino acid conservation, physicochemical variation, residue mobility, and thermodynamic stability) performed at Invitae indicates that this missense variant is expected to disrupt CNGA3 protein function. This variant has not been reported in the literature in individuals affected with CNGA3-related conditions. This sequence change replaces arginine, which is basic and polar, with leucine, which is neutral and non-polar, at codon 481 of the CNGA3 protein (p.Arg481Leu).